The following is an entry in ClinVar:

ClinVar aggregate classification (germline): Uncertain significance. Review status: criteria provided, multiple submitters, no conflicts (2 of 4 stars). 4 submissions from 4 submitters: Uncertain significance (4). Last evaluated 2025-12-02.

Conditions:
Aortic aneurysm, familial thoracic 10 (AAT10). Identifiers: MedGen C4284414, MONDO:0014950, OMIM 617168.
Cardiovascular phenotype. Identifiers: MedGen CN230736.

Allele frequency attached by ClinVar (database versions not stated): ExAC 0.00002.
gnomAD v4.1: 91 of 1,599,356 alleles (0.0057%); highest among the groups gnomAD compares: Non-Finnish European, 0.0076%; no homozygotes.

Submissions (4):

Ambry Genetics
Classification: Uncertain significance for Cardiovascular phenotype. Last evaluated: 2025-12-02. Review status: criteria provided, single submitter. Criteria: Ambry Variant Classification Scheme 2023. Collection method: clinical testing. Allele origin: germline.
Comment: The p.A100P variant (also known as c.298G>C), located in coding exon 1 of the LOX gene, results from a G to C substitution at nucleotide position 298. The alanine at codon 100 is replaced by proline, an amino acid with highly similar properties. This amino acid position is conserved. In addition, this alteration is predicted to be tolerated by in silico analysis. Based on the available evidence, the clinical significance of this variant remains unclear.

Labcorp Genetics (formerly Invitae), Labcorp
Classification: Uncertain significance. Last evaluated: 2025-09-21. Review status: criteria provided, single submitter. Criteria: Invitae Variant Classification Sherloc (09022015). Collection method: clinical testing. Allele origin: germline.
Comment: This sequence change replaces alanine, which is neutral and non-polar, with proline, which is neutral and non-polar, at codon 100 of the LOX protein (p.Ala100Pro). This variant is present in population databases (rs762913437, gnomAD 0.004%). This variant has not been reported in the literature in individuals affected with LOX-related conditions. ClinVar contains an entry for this variant (Variation ID: 1254823). Invitae Evidence Modeling of protein sequence and biophysical properties (such as structural, functional, and spatial information, amino acid conservation, physicochemical variation, residue mobility, and thermodynamic stability) indicates that this missense variant is not expected to disrupt LOX protein function with a negative predictive value of 95%. In summary, the available evidence is currently insufficient to determine the role of this variant in disease. Therefore, it has been classified as a Variant of Uncertain Significance.

Fulgent Genetics
Classification: Uncertain significance for Aortic aneurysm, familial thoracic 10. Last evaluated: 2024-02-27. Review status: criteria provided, single submitter. Criteria: ACMG Guidelines, 2015. Collection method: clinical testing. Allele origin: germline.

GeneDx
Classification: Uncertain significance. Last evaluated: 2021-07-16. Review status: criteria provided, single submitter. Criteria: GeneDx Variant Classification Process June 2021. Collection method: clinical testing. Allele origin: germline. Affected: yes.
Comment: Has not been previously published as pathogenic or benign to our knowledge; Not observed at a significant frequency in large population cohorts (Lek et al., 2016); In silico analysis supports that this missense variant does not alter protein structure/function; This variant is associated with the following publications: (PMID: 27535533)

NM_002317.7(LOX):c.298G>C (p.Ala100Pro)

Genes: SRFBP1 (serum response factor binding protein 1; plus strand), LOX (lysyl oxidase; minus strand). Cytogenetic location: 5q23.1.
Variant type: single nucleotide variant.
Coding change: c.298G>C on transcript NM_002317.7 (MANE Select); coding-DNA position 298, G replaced by C.
Protein change: p.Ala100Pro; replaces alanine 100 with proline.
Molecular consequence: missense variant.
Genome position (GRCh38, 1-based): chr5:122,077,688, C>G on the plus strand (G>C on the coding strand, the complement: LOX is on the minus strand). VCF-style: chr5-122077688-C-G. GRCh37 (hg19) VCF-style: chr5-121413383-C-G.
Other names: c.298G>C (NM_002317.5); short protein forms A100P.
Identifiers: ClinVar variation 1254823 (VCV001254823.10), dbSNP rs762913437, ClinGen allele CA3384074.